The following is an entry in ClinVar:

NM_000080.4(CHRNE):c.1306_1307del (p.Asp436fs)

Gene: CHRNE (cholinergic receptor nicotinic epsilon subunit; minus strand). Cytogenetic location: 17p13.2.
Variant type: Microsatellite.
Coding change: c.1306_1307del on transcript NM_000080.4 (MANE Select); coding-DNA positions 1306 to 1307, 2 bases deleted (GA; older notation c.1306_1307delGA).
Protein change: p.Asp436fs; shifts the reading frame from aspartic acid 436.
Molecular consequence: frameshift variant.
Genome position (GRCh38, 1-based): chr17:4,899,020-4,899,021, TC deleted on the plus strand (GA on the coding strand, the reverse complement: CHRNE is on the minus strand); deleting any 2 consecutive bases within chr17:4,899,020-4,899,025 gives the same sequence; the c. name uses the placement nearest the transcript's 3' end. VCF-style (leftmost placement, unchanged base first): chr17-4899019-ATC-A. GRCh37 (hg19) VCF-style: chr17-4802314-ATC-A.
Other names: short protein forms D436fs.
Identifiers: ClinVar variation 963385 (VCV000963385.10), dbSNP rs1194524772, ClinGen allele CA497675955.
Genomic context (GRCh38, chr17:4,899,019, plus strand): 5'-GGGCCTCTGCCTCGCTCCACCCGCCTCTGGCTCCTGTCCCACCTCGCCGGTGGCCTCCTG[ATC>A]TCTCGTGCTCTCGGCCACGAAGTTCACGGCATCCACACAGCAGCGGACCTCGGGGGCGGC-3'

ClinVar aggregate classification (germline): Pathogenic. Review status: criteria provided, multiple submitters, no conflicts (2 of 4 stars). 2 submissions from 2 submitters: Pathogenic (2). Last evaluated 2025-12-01.

Conditions:
Congenital myasthenic syndrome (CMS). Also called: Congenital Myasthenic Syndromes. Identifiers: Orphanet 590, MedGen C0751882, MeSH D020294, MONDO:0018940.
Congenital myasthenic syndrome 4A. Also called: MYASTHENIC SYNDROME, CONGENITAL, 4A, SLOW-CHANNEL, AUTOSOMAL RECESSIVE; Myasthenic syndrome, congenital, 4a, slow-channel; CONGENITAL MYASTHENIC SYNDROME TYPE Ia1. Identifiers: Orphanet 590, MedGen C4225413, MONDO:0011600, OMIM 605809.

Submissions (2):

Myriad Genetics, Inc.
Classification: Pathogenic for Congenital myasthenic syndrome. Last evaluated: 2025-12-01. Review status: criteria provided, single submitter. Criteria: Myriad Autosomal Dominant, Autosomal Recessive and X-Linked Classification Criteria (2023). Collection method: clinical testing. Allele origin: unknown.
Comment: NM_000080.3(CHRNE):c.1306_1307delGA(D436Sfs*19) is a frameshift variant classified as pathogenic in the context of congenital myasthenic syndrome, CHRNE-related. D436Sfs*19 has been observed in a case with relevant disease (Nakano_2019_(article)). Relevant functional assessments of this variant are not available in the literature. D436Sfs*19 has been observed in referenced population frequency databases. In summary, NM_000080.3(CHRNE):c.1306_1307delGA(D436Sfs*19) is a frameshift variant in a gene where loss of function is a known mechanism of disease and is predicted to disrupt protein function. Please note: this variant was assessed in the context of healthy population screening.

Labcorp Genetics (formerly Invitae), Labcorp
Classification: Pathogenic for Congenital myasthenic syndrome 4A. Last evaluated: 2019-10-11. Review status: criteria provided, single submitter. Criteria: Invitae Variant Classification Sherloc (09022015). Collection method: clinical testing. Allele origin: germline.
Comment: For these reasons, this variant has been classified as Pathogenic. This variant disrupts the C-terminus of the CHRNE protein. Other variants that disrupt this region (p.Trp460*, p.Tyr478*) have been determined to be pathogenic (PMID: 12417530, Invitae). This suggests that variants that disrupt this region of the protein are likely to be causative of disease. This variant has not been reported in the literature in individuals with CHRNE-related conditions. This variant is not present in population databases (ExAC no frequency). This sequence change results in a premature translational stop signal in the CHRNE gene (p.Asp436Serfs*19). While this is not anticipated to result in nonsense mediated decay, it is expected to disrupt the last 58 amino acids of the CHRNE protein.

Literature cited by the submitters: PubMed 12417530 (cited by Labcorp Genetics (formerly Invitae), Labcorp).